The following is an entry in ClinVar:

NM_182914.3(SYNE2):c.3054A>C (p.Leu1018=)

Gene: SYNE2 (spectrin repeat containing nuclear envelope protein 2; plus strand). Cytogenetic location: 14q23.2.
Variant type: single nucleotide variant.
Coding change: c.3054A>C on transcript NM_182914.3 (MANE Select); coding-DNA position 3054, A replaced by C.
Protein change: p.Leu1018=; no amino-acid change (leucine 1018 retained).
Molecular consequence: synonymous variant.
Genome position (GRCh38, 1-based): chr14:63,997,060, A>C. VCF-style: chr14-63997060-A-C. GRCh37 (hg19) VCF-style: chr14-64463778-A-C.
Other names: c.3054A>C, p.Leu1018= (NM_015180.6).
Identifiers: ClinVar variation 313499 (VCV000313499.17), dbSNP rs751740731, ClinGen allele CA7219856.

ClinVar aggregate classification (germline): Benign. Review status: criteria provided, multiple submitters, no conflicts (2 of 4 stars). 3 submissions from 3 submitters: Benign (2). 1 of the submissions does not count toward it. Last evaluated 2025-07-14.

Conditions:
SYNE2-related disorder. Also called: SYNE2-related condition.
Emery-Dreifuss muscular dystrophy 5, autosomal dominant (EDMD5). Also called: EMERY-DREIFUSS MUSCULAR DYSTROPHY 5. Identifiers: Orphanet 261, MedGen C2751805, MONDO:0013072, OMIM 612999.

Allele frequency attached by ClinVar (database versions not stated): gnomAD 0.00004 and 0.00005; gnomAD exomes 0.00007 and 0.00020; TOPMed 0.00014; ExAC 0.00024.
gnomAD v4.1: 108 of 1,613,922 alleles (0.0067%); highest among the groups gnomAD compares: East Asian, 0.2%; no homozygotes.

Submissions (3):

Labcorp Genetics (formerly Invitae), Labcorp
Classification: Benign for Emery-Dreifuss muscular dystrophy 5, autosomal dominant. Last evaluated: 2025-07-14. Review status: criteria provided, single submitter. Criteria: Invitae Variant Classification Sherloc (09022015). Collection method: clinical testing. Allele origin: germline.

Illumina Laboratory Services, Illumina
Classification: Benign for Emery-Dreifuss muscular dystrophy 5, autosomal dominant. Last evaluated: 2018-01-12. Review status: criteria provided, single submitter. Criteria: ICSL Variant Classification Criteria 13 December 2019. Collection method: clinical testing. Allele origin: germline.
Comment: This variant was observed in the ICSL laboratory as part of a predisposition screen in an ostensibly healthy population. It had not been previously curated by ICSL or reported in the Human Gene Mutation Database (HGMD: prior to June 1st, 2018), and was therefore a candidate for classification through an automated scoring system. Utilizing variant allele frequency, disease prevalence and penetrance estimates, and inheritance mode, an automated score was calculated to assess if this variant is too frequent to cause the disease. Based on the score and internal cut-off values, a variant classified as benign is not then subjected to further curation. The score for this variant resulted in a classification of benign for this disease.

PreventionGenetics, part of Exact Sciences
Classification: Likely benign for SYNE2-related condition. Last evaluated: 2019-06-26. Review status: no assertion criteria provided. Collection method: clinical testing. Allele origin: germline. Not counted in ClinVar's aggregate classification.
Comment: This variant is classified as likely benign based on ACMG/AMP sequence variant interpretation guidelines (Richards et al. 2015 PMID: 25741868, with internal and published modifications).